The following is an entry in ClinVar:

NM_018112.3(TMEM38B):c.319T>C (p.Tyr107His)

Gene: TMEM38B (transmembrane protein 38B; plus strand). Cytogenetic location: 9q31.2.
Variant type: single nucleotide variant.
Coding change: c.319T>C on transcript NM_018112.3 (MANE Select); coding-DNA position 319, T replaced by C.
Protein change: p.Tyr107His; replaces tyrosine 107 with histidine.
Molecular consequence: missense variant.
Genome position (GRCh38, 1-based): chr9:105,721,586, T>C. VCF-style: chr9-105721586-T-C. GRCh37 (hg19) VCF-style: chr9-108483867-T-C.
Other names: c.319T>C (NM_018112.1); short protein forms Y107H.
Identifiers: ClinVar variation 1696354 (VCV001696354.6), dbSNP rs746623351, ClinGen allele CA5170843.

ClinVar aggregate classification (germline): Uncertain significance. Review status: criteria provided, multiple submitters, no conflicts (2 of 4 stars). 3 submissions from 3 submitters: Uncertain significance (3). Last evaluated 2024-11-26.

Conditions:
Inborn genetic diseases. Identifiers: MedGen C0950123, MeSH D030342.

Allele frequency attached by ClinVar (database versions not stated): ExAC 0.00002; gnomAD exomes 0.00003 and 0.00005; gnomAD 0.00005 and 0.00006; TOPMed 0.00008.
gnomAD v4.1: 87 of 1,613,556 alleles (0.0054%); highest among the groups gnomAD compares: Admixed American, 0.02%; no homozygotes.

Submissions (3):

Ambry Genetics
Classification: Uncertain significance for Inborn genetic diseases. Last evaluated: 2024-11-26. Review status: criteria provided, single submitter. Criteria: Ambry Variant Classification Scheme 2023. Collection method: clinical testing. Allele origin: germline.

Women's Health and Genetics/Laboratory Corporation of America, LabCorp
Classification: Uncertain significance. Last evaluated: 2022-05-03. Review status: criteria provided, single submitter. Criteria: LabCorp Variant Classification Summary - May 2015. Collection method: clinical testing. Allele origin: germline.

Labcorp Genetics (formerly Invitae), Labcorp
Classification: Uncertain significance. Last evaluated: 2022-02-21. Review status: criteria provided, single submitter. Criteria: Invitae Variant Classification Sherloc (09022015). Collection method: clinical testing. Allele origin: germline.
Comment: This sequence change replaces tyrosine, which is neutral and polar, with histidine, which is basic and polar, at codon 107 of the TMEM38B protein (p.Tyr107His). This variant is present in population databases (rs746623351, gnomAD 0.009%). This variant has not been reported in the literature in individuals affected with TMEM38B-related conditions. Algorithms developed to predict the effect of missense changes on protein structure and function output the following: SIFT: "Deleterious"; PolyPhen-2: "Benign"; Align-GVGD: "Class C25". The histidine amino acid residue is found in multiple mammalian species, which suggests that this missense change does not adversely affect protein function. In summary, the available evidence is currently insufficient to determine the role of this variant in disease. Therefore, it has been classified as a Variant of Uncertain Significance.